The following is an entry in ClinVar:

NM_004655.4(AXIN2):c.2347_2352del (p.Ala783_Gln784del)

Gene: AXIN2 (axin 2; minus strand). Cytogenetic location: 17q24.1.
Variant type: Deletion.
Coding change: c.2347_2352del on transcript NM_004655.4 (MANE Select); coding-DNA positions 2347 to 2352, 6 bases deleted (GCTCAG; older notation c.2347_2352delGCTCAG).
Protein change: p.Ala783_Gln784del.
Molecular consequence: inframe deletion.
Genome position (GRCh38, 1-based): chr17:65,533,965-65,533,970, CTGAGC deleted on the plus strand (GCTCAG on the coding strand, the reverse complement: AXIN2 is on the minus strand); deleting any 6 consecutive bases within chr17:65,533,965-65,533,972 gives the same sequence; the c. name uses the placement nearest the transcript's 3' end. VCF-style (leftmost placement, unchanged base first): chr17-65533964-TCTGAGC-T. GRCh37 (hg19) VCF-style: chr17-63530082-TCTGAGC-T.
Other names: c.2152_2157del, p.Ala718_Gln719del (NM_001363813.1); c.2347_2352del (LRG_296t1).
Identifiers: ClinVar variation 464606 (VCV000464606.9), dbSNP rs1555576361, ClinGen allele CA658658698.

ClinVar aggregate classification (germline): Uncertain significance. Review status: criteria provided, multiple submitters, no conflicts (2 of 4 stars). 2 submissions from 2 submitters: Uncertain significance (2). Last evaluated 2025-06-17.

Conditions:
Hereditary cancer-predisposing syndrome. Also called: Neoplastic Syndromes, Hereditary; Tumor predisposition; Hereditary Cancer Syndrome; Hereditary neoplastic syndrome. Identifiers: Orphanet 140162, MedGen C0027672, MeSH D009386, MONDO:0015356.
Oligodontia-cancer predisposition syndrome. Also called: TOOTH AGENESIS-COLORECTAL CANCER SYNDROME. Identifiers: Orphanet 300576, MedGen C1837750, MONDO:0012075, OMIM 608615. Disease mechanism: loss of function.

Submissions (2):

Ambry Genetics
Classification: Uncertain significance for Hereditary cancer-predisposing syndrome. Last evaluated: 2025-06-17. Review status: criteria provided, single submitter. Criteria: Ambry Variant Classification Scheme 2023. Collection method: clinical testing. Allele origin: germline.
Comment: The c.2347_2352delGCTCAG variant (also known as p.A783_Q784del) is located in coding exon 9 of the AXIN2 gene. This variant results from an in-frame GCTCAG deletion at nucleotide positions 2347 to 2352. This results in the in-frame deletion of amino acids at codons 783 to 784. This amino acid region is well conserved in available vertebrate species. In addition, this variant is predicted to be deleterious by in silico analysis (Choi Y et al. PLoS ONE. 2012; 7(10):e46688). Based on the available evidence, the clinical significance of this variant remains unclear.

Labcorp Genetics (formerly Invitae), Labcorp
Classification: Uncertain significance for Oligodontia-cancer predisposition syndrome. Last evaluated: 2024-12-28. Review status: criteria provided, single submitter. Criteria: Invitae Variant Classification Sherloc (09022015). Collection method: clinical testing. Allele origin: germline.
Comment: This variant, c.2347_2352del, results in the deletion of 2 amino acid(s) of the AXIN2 protein (p.Ala783_Gln784del), but otherwise preserves the integrity of the reading frame. This variant is not present in population databases (gnomAD no frequency). This variant has not been reported in the literature in individuals affected with AXIN2-related conditions. ClinVar contains an entry for this variant (Variation ID: 464606). In summary, the available evidence is currently insufficient to determine the role of this variant in disease. Therefore, it has been classified as a Variant of Uncertain Significance.